The following is an entry in ClinVar:

ClinVar aggregate classification (germline): Uncertain significance (1 of 4 stars; one submission).

gnomAD v4.1: 2 of 1,613,866 alleles (0.00012%); highest among the groups gnomAD compares: South Asian, 0.0022%; no homozygotes.

Submission:

Mayo Clinic Laboratories, Mayo Clinic
Classification: Uncertain significance. Last evaluated: 2023-12-20. Review status: criteria provided, single submitter. Criteria: ACMG Guidelines, 2015. Collection method: clinical testing. Allele origin: germline. Observed: 1 variant allele.
Comment: PM2_moderate

NM_002180.3(IGHMBP2):c.1984G>C (p.Ala662Pro)

Gene: IGHMBP2 (immunoglobulin mu DNA binding protein 2; plus strand). Cytogenetic location: 11q13.3.
Variant type: single nucleotide variant.
Coding change: c.1984G>C on transcript NM_002180.3 (MANE Select); coding-DNA position 1984, G replaced by C.
Protein change: p.Ala662Pro; replaces alanine 662 with proline.
Molecular consequence: missense variant.
Genome position (GRCh38, 1-based): chr11:68,936,464, G>C. VCF-style: chr11-68936464-G-C. GRCh37 (hg19) VCF-style: chr11-68703932-G-C.
Other names: p.Ala662Pro; short protein forms A662P.
Identifiers: ClinVar variation 3380034 (VCV003380034.1).
Genomic context (GRCh38, chr11:68,936,464, plus strand): 5'-TATCTTGACGATATTGTCCCAGAAAACTATTCCCATGAGAACTCCCAGGGTTCCAGCCAC[G>C]CTGCCACCAAGCCCCAGGGACCTGCTACGTCCACCAGGACCGGAAGCCAGCGGCAGGAGG-3'
Protein context (NP_002171.2, residues 652-672): SHENSQGSSH[Ala662Pro]ATKPQGPATS